The following is an entry in ClinVar:

ClinVar aggregate classification (germline): Likely pathogenic (1 of 4 stars; one submission).

Conditions:
Autosomal recessive nonsyndromic hearing loss 15. Also called: DEAFNESS, AUTOSOMAL RECESSIVE 15; DEAFNESS, AUTOSOMAL RECESSIVE 72; DEAFNESS, AUTOSOMAL RECESSIVE 95. Identifiers: Orphanet 90636, MedGen C1866094, MONDO:0011160, OMIM 601869.

Submission:

Cellular and Molecular Research Center, Cellular and Molecular Medicine Research Institute,, Urmia University of Medical Sciences
Classification: Likely pathogenic for Autosomal recessive nonsyndromic hearing loss 15. Last evaluated: 2026-10-14. Review status: criteria provided, single submitter. Criteria: ACMG Guidelines, 2015. Collection method: clinical testing. Allele origin: germline. Inheritance: Autosomal recessive inheritance. Affected: yes. Observed: 1 variant allele, 1 homozygote.
Comment: The GIPC3 gene (OMIM: 608792), also known as GAIP C-terminus-interacting protein 3, encodes a PDZ domain-containing protein involved in the development and maintenance of cochlear hair cells and auditory function. Biallelic pathogenic variants in this gene are associated with autosomal recessive nonsyndromic hearing loss 15 (DFNB15; OMIM: 601869). Affected individuals typically present with sensorineural hearing loss, often congenital or prelingual. The variant NM_133261.3:c.788-2A>G represents a single-nucleotide substitution in which adenine (A) is replaced by guanine (G) at the second nucleotide upstream of coding position 788. The negative numbering indicates that the substitution is located in the intronic region immediately preceding the relevant exon, at position −2 of the splice acceptor site. This position is part of the highly conserved 3′ splice acceptor consensus sequence (AG). Therefore, the A-to-G substitution is predicted to disrupt normal recognition of the splice acceptor site, potentially leading to abnormal pre-mRNA splicing, including exon skipping, intron retention, or activation of a cryptic splice site.

Literature cited by the submitters: PubMed 23510777.

NM_133261.3(GIPC3):c.788-2A>G

Gene: GIPC3 (GIPC PDZ domain containing family member 3; plus strand). Cytogenetic location: 19p13.3.
Variant type: single nucleotide variant.
Coding change: c.788-2A>G on transcript NM_133261.3 (MANE Select); the canonical splice acceptor site of the intron before coding-DNA position 788, A replaced by G.
Molecular consequence: splice acceptor variant.
Genome position (GRCh38, 1-based): chr19:3,590,037, A>G. VCF-style: chr19-3590037-A-G. GRCh37 (hg19) VCF-style: chr19-3590035-A-G.
Other names: c.801-2A>G (NM_001411144.1).
Identifiers: ClinVar variation 5041969 (VCV005041969.1).